The following is an entry in ClinVar:

ClinVar aggregate classification (germline): Uncertain significance (1 of 4 stars; one submission).

Submission:

Labcorp Genetics (formerly Invitae), Labcorp
Classification: Uncertain significance. Last evaluated: 2026-01-20. Review status: criteria provided, single submitter. Criteria: Invitae Variant Classification Sherloc (09022015). Collection method: clinical testing. Allele origin: germline.
Comment: This sequence change replaces serine, which is neutral and polar, with arginine, which is basic and polar, at codon 1927 of the CEP250 protein (p.Ser1927Arg). This variant is not present in population databases (gnomAD no frequency). This variant has not been reported in the literature in individuals affected with CEP250-related conditions. An algorithm developed to predict the effect of missense changes on protein structure and function outputs the following: PolyPhen-2: "Benign". The arginine amino acid residue is found in multiple mammalian species, which suggests that this missense change does not adversely affect protein function. In summary, the available evidence is currently insufficient to determine the role of this variant in disease. Therefore, it has been classified as a Variant of Uncertain Significance.

NM_007186.6(CEP250):c.5781C>G (p.Ser1927Arg)

Gene: CEP250 (centrosomal protein 250; plus strand). Cytogenetic location: 20q11.22.
Variant type: single nucleotide variant.
Coding change: c.5781C>G on transcript NM_007186.6 (MANE Select); coding-DNA position 5781, C replaced by G.
Protein change: p.Ser1927Arg; replaces serine 1927 with arginine.
Molecular consequence: missense variant.
Genome position (GRCh38, 1-based): chr20:35,504,150, C>G. VCF-style: chr20-35504150-C-G. GRCh37 (hg19) VCF-style: chr20-34091978-C-G.
Other names: c.3885C>G, p.Ser1295Arg (NM_001318219.1); short protein forms S1295R, S1927R.
Identifiers: ClinVar variation 4735812 (VCV004735812.1).
Genomic context (GRCh38, chr20:35,504,150, plus strand): 5'-GCAGCAGTGTGCTGAGCAGGCACAGGAGCATGAGGTGGAGACCAGGGCCCTGCAGGACAG[C>G]TGGCTGCAGGCCCAGGCAGTGCTCAAGGAACGGGACCAGGAGCTGGAAGCTCTGCGGGCA-3'
Protein context (NP_009117.2, residues 1917-1937): HEVETRALQD[Ser1927Arg]WLQAQAVLKE